The following is an entry in ClinVar:

NM_025081.3(NYNRIN):c.5142G>A (p.Thr1714=)

Gene: NYNRIN (NYN domain and retroviral integrase containing; plus strand). Cytogenetic location: 14q12.
Variant type: single nucleotide variant.
Coding change: c.5142G>A on transcript NM_025081.3 (MANE Select); coding-DNA position 5142, G replaced by A.
Protein change: p.Thr1714=; no amino-acid change (threonine 1714 retained).
Molecular consequence: synonymous variant.
Genome position (GRCh38, 1-based): chr14:24,416,891, G>A. VCF-style: chr14-24416891-G-A. GRCh37 (hg19) VCF-style: chr14-24886097-G-A.
Identifiers: ClinVar variation 3036911 (VCV003036911.2), dbSNP rs370103462, ClinGen allele CA7137566.
Genomic context (GRCh38, chr14:24,416,891, plus strand): 5'-GCTGGCCCTGGGAGCCCAGGTGGCCTCCCTGAGTCGGGACCTCCAGTTCCCCTGCCTGAC[G>A]AGCTCAGGGGCCTACTGGGAATTCAAGAGGGCCCTCAAGGAGTTCATCTTCCTGCATGGG-3'
Protein context (NP_079357.2, residues 1704-1724): LSRDLQFPCL[Thr1714=]SSGAYWEFKR

ClinVar aggregate classification (germline): Likely benign (0 of 4 stars; one submission).

Conditions:
NYNRIN-related disorder. Also called: NYNRIN-related condition.

Allele frequency attached by ClinVar (database versions not stated): TOPMed 0.00002; ExAC 0.00003; gnomAD 0.00003; ESP Exome Variant Server 0.00008; 1000 Genomes Project 30x 0.00016; 1000 Genomes Project 0.00040.
gnomAD v4.1: 48 of 1,606,048 alleles (0.003%); highest among the groups gnomAD compares: African/African-American, 0.011%; no homozygotes.

Submission:

PreventionGenetics, part of Exact Sciences
Classification: Likely benign for NYNRIN-related condition. Last evaluated: 2022-12-06. Review status: no assertion criteria provided. Collection method: clinical testing. Allele origin: germline.
Comment: This variant is classified as likely benign based on ACMG/AMP sequence variant interpretation guidelines (Richards et al. 2015 PMID: 25741868, with internal and published modifications).